The following is an entry in ClinVar:

NM_000465.4(BARD1):c.860_861del (p.Glu287fs)

Gene: BARD1 (BRCA1 associated RING domain 1; minus strand). Cytogenetic location: 2q35.
Variant type: Microsatellite.
Coding change: c.860_861del on transcript NM_000465.4 (MANE Select); coding-DNA positions 860 to 861, 2 bases deleted (AG; older notation c.860_861delAG).
Protein change: p.Glu287fs; shifts the reading frame from glutamic acid 287.
Molecular consequence: frameshift variant. On other transcripts: non-coding transcript variant (2), intron variant (3).
Genome position (GRCh38, 1-based): chr2:214,781,013-214,781,014, CT deleted on the plus strand (AG on the coding strand, the reverse complement: BARD1 is on the minus strand); deleting any 2 consecutive bases within chr2:214,781,013-214,781,016 gives the same sequence; the c. name uses the placement nearest the transcript's 3' end. VCF-style (leftmost placement, unchanged base first): chr2-214781012-ACT-A. GRCh37 (hg19) VCF-style: chr2-215645736-ACT-A.
Other names: p.E287Vfs*5; c.803_804del, p.Glu268fs (NM_001282543.2); c.158+28398_158+28399del (NM_001282548.2); c.215+16047_215+16048del (NM_001282545.2); c.364+11283_364+11284del (NM_001282549.2); c.860_861del (NM_000465.3); short protein forms E268fs, E287fs.
Identifiers: ClinVar variation 185015 (VCV000185015.19), dbSNP rs786201868, ClinGen allele CA190785.

ClinVar aggregate classification (germline): Pathogenic/Likely pathogenic. Review status: criteria provided, multiple submitters, no conflicts (2 of 4 stars). 4 submissions from 4 submitters: Pathogenic (3); Likely pathogenic (1). Last evaluated 2025-05-04.

Conditions:
Hereditary cancer-predisposing syndrome. Also called: Hereditary neoplastic syndrome; Neoplastic Syndromes, Hereditary; Tumor predisposition; Hereditary Cancer Syndrome. Identifiers: Orphanet 140162, MedGen C0027672, MeSH D009386, MONDO:0015356.
Familial cancer of breast. Also called: BREAST CANCER, FAMILIAL; Hereditary breast cancer; hereditary breast carcinoma. Identifiers: Orphanet 227535, MedGen C0346153, MONDO:0016419, OMIM 114480. Disease mechanism: loss of function.

Submissions (4):

Labcorp Genetics (formerly Invitae), Labcorp
Classification: Pathogenic for Familial cancer of breast. Last evaluated: 2025-05-04. Review status: criteria provided, single submitter. Criteria: Invitae Variant Classification Sherloc (09022015). Collection method: clinical testing. Allele origin: germline.
Comment: This sequence change creates a premature translational stop signal (p.Glu287Valfs*5) in the BARD1 gene. It is expected to result in an absent or disrupted protein product. Loss-of-function variants in BARD1 are known to be pathogenic (PMID: 20077502, 21344236). This variant is present in population databases (rs786201868, gnomAD 0.0009%). This variant has not been reported in the literature in individuals affected with BARD1-related conditions. ClinVar contains an entry for this variant (Variation ID: 185015). For these reasons, this variant has been classified as Pathogenic.

Myriad Genetics, Inc.
Classification: Pathogenic for Familial cancer of breast. Last evaluated: 2023-05-19. Review status: criteria provided, single submitter. Criteria: Myriad Autosomal Dominant, Autosomal Recessive and X-Linked Classification Criteria (2023). Collection method: clinical testing. Allele origin: unknown.
Comment: This variant is considered pathogenic. This variant creates a frameshift predicted to result in premature protein truncation.

Ambry Genetics
Classification: Pathogenic for Hereditary cancer-predisposing syndrome. Last evaluated: 2023-02-15. Review status: criteria provided, single submitter. Criteria: Ambry Variant Classification Scheme 2023. Collection method: clinical testing. Allele origin: germline.
Comment: The c.860_861delAG pathogenic mutation, located in coding exon 4 of the BARD1 gene, results from a deletion of two nucleotides at nucleotide positions 860 to 861, causing a translational frameshift with a predicted alternate stop codon (p.E287Vfs*5). This mutation has been detected in a cohort of patients who underwent multi-gene panel testing (LaDuca H et al. PLoS ONE. 2017 Feb;12:e0170843). This alteration was not detected in a cohort of 3030 pancreatic cancer patients undergoing multi-gene panel testing, but was identified in 1/123,136 gnomAD controls (Hu C et al. JAMA. 2018 06;319:2401-2409). In addition to the clinical data presented in the literature, this alteration is expected to result in loss of function by premature protein truncation or nonsense-mediated mRNA decay. This variant is considered to be rare based on population cohorts in the Genome Aggregation Database (gnomAD). As such, this alteration is interpreted as a disease-causing mutation.

Undiagnosed Diseases Network, NIH
Classification: Likely pathogenic for Familial cancer of breast. Last evaluated: 2022-01-06. Review status: criteria provided, single submitter. Criteria: ACMG Guidelines, 2015. Collection method: clinical testing. Allele origin: unknown. Inheritance: Autosomal dominant inheritance. Affected: yes. Observed: 1 variant allele, 1 heterozygote. Study: Undiagnosed Diseases Network (NIH), UDN.
Comment: This variant has been previously reported as disease causing in PMID: 28152038.

Literature cited by the submitters: PubMed 20077502 (cited by Labcorp Genetics (formerly Invitae), Labcorp); PubMed 21344236 (cited by Labcorp Genetics (formerly Invitae), Labcorp); PubMed 28152038 (cited by Ambry Genetics); PubMed 29922827 (cited by Ambry Genetics).